The following is an entry in ClinVar:

NM_000219.6(KCNE1):c.340G>A (p.Ala114Thr)

Gene: KCNE1 (potassium voltage-gated channel subfamily E regulatory subunit 1; minus strand). Cytogenetic location: 21q22.12.
Variant type: single nucleotide variant.
Coding change: c.340G>A on transcript NM_000219.6 (MANE Select); coding-DNA position 340, G replaced by A.
Protein change: p.Ala114Thr; replaces alanine 114 with threonine.
Molecular consequence: missense variant.
Genome position (GRCh38, 1-based): chr21:34,449,295, C>T on the plus strand (G>A on the coding strand, the complement: KCNE1 is on the minus strand). VCF-style: chr21-34449295-C-T. GRCh37 (hg19) VCF-style: chr21-35821593-C-T.
Other names: c.340G>A, p.Ala114Thr (NM_001127668.4, NM_001127669.4, NM_001127670.4 and 4 more transcripts); short protein forms A114T.
Identifiers: ClinVar variation 3230643 (VCV003230643.3), dbSNP rs754020878, ClinGen allele CA320425123.

ClinVar aggregate classification (germline): Uncertain significance (1 of 4 stars; one submission).

Conditions:
Cardiovascular phenotype. Identifiers: MedGen CN230736.

Allele frequency attached by ClinVar (database versions not stated): ExAC 0.00001.

Submissions (2):

Ambry Genetics
Classification: Uncertain significance for Cardiovascular phenotype. Last evaluated: 2023-11-11. Review status: criteria provided, single submitter. Criteria: Ambry Variant Classification Scheme 2023. Collection method: clinical testing. Allele origin: germline.
Comment: The p.A114T variant (also known as c.340G>A), located in coding exon 1 of the KCNE1 gene, results from a G to A substitution at nucleotide position 340. The alanine at codon 114 is replaced by threonine, an amino acid with similar properties. This amino acid position is well conserved in available vertebrate species. In addition, this alteration is predicted to be tolerated by in silico analysis. Since supporting evidence is limited at this time, the clinical significance of this alteration remains unclear.

Roden Lab, Vanderbilt University Medical Center
No classification provided (evidence only). Condition: Long QT syndrome 5. Review status: no classification provided. Collection method: in vitro. Allele origin: not applicable. Functional consequence: Effect on ion channel function. Not counted in ClinVar's aggregate classification.
ClinVar note: "not provided" was previously submitted as the classification for the variant. However, the classification appeared to be based only on an observation of functional data so it was converted to no classification on 2025-07-30.